The following is an entry in ClinVar:

ClinVar aggregate classification (germline): Uncertain significance. Review status: criteria provided, multiple submitters, no conflicts (2 of 4 stars). 2 submissions from 2 submitters: Uncertain significance (2). Last evaluated 2024-12-17.

Conditions:
Inborn genetic diseases. Identifiers: MedGen C0950123, MeSH D030342.

Allele frequency attached by ClinVar (database versions not stated): gnomAD exomes below 0.00001; gnomAD 0.00001; TOPMed 0.00002.
gnomAD v4.1: 2 of 1,614,116 alleles (0.00012%); highest among the groups gnomAD compares: Admixed American, 0.0017%; no homozygotes.

Submissions (2):

Ambry Genetics
Classification: Uncertain significance for Inborn genetic diseases. Last evaluated: 2024-12-17. Review status: criteria provided, single submitter. Criteria: Ambry Variant Classification Scheme 2023. Collection method: clinical testing. Allele origin: germline.

Labcorp Genetics (formerly Invitae), Labcorp
Classification: Uncertain significance. Last evaluated: 2019-12-27. Review status: criteria provided, single submitter. Criteria: Invitae Variant Classification Sherloc (09022015). Collection method: clinical testing. Allele origin: germline.
Comment: In summary, the available evidence is currently insufficient to determine the role of this variant in disease. Therefore, it has been classified as a Variant of Uncertain Significance. Algorithms developed to predict the effect of missense changes on protein structure and function are either unavailable or do not agree on the potential impact of this missense change (SIFT: "Deleterious"; PolyPhen-2: "Benign"; Align-GVGD: "Class C0"). This variant has not been reported in the literature in individuals with VCAN-related conditions. This variant is not present in population databases (ExAC no frequency). This sequence change replaces valine with leucine at codon 110 of the VCAN protein (p.Val110Leu). The valine residue is highly conserved and there is a small physicochemical difference between valine and leucine.

NM_004385.5(VCAN):c.328G>T (p.Val110Leu)

Gene: VCAN (versican; plus strand). Cytogenetic location: 5q14.2.
Variant type: single nucleotide variant.
Coding change: c.328G>T on transcript NM_004385.5 (MANE Select); coding-DNA position 328, G replaced by T.
Protein change: p.Val110Leu; replaces valine 110 with leucine.
Molecular consequence: missense variant.
Genome position (GRCh38, 1-based): chr5:83,490,355, G>T. VCF-style: chr5-83490355-G-T. GRCh37 (hg19) VCF-style: chr5-82786174-G-T.
Other names: c.328G>T, p.Val110Leu (NM_001126336.3, NM_001164097.2, NM_001164098.2); short protein forms V110L.
Identifiers: ClinVar variation 837377 (VCV000837377.11), dbSNP rs1325271655, ClinGen allele CA360295751.